The following is an entry in ClinVar:

NM_001042492.3(NF1):c.1260+13G>C

Gene: NF1 (neurofibromin 1; plus strand). Cytogenetic location: 17q11.2.
Variant type: single nucleotide variant.
Coding change: c.1260+13G>C on transcript NM_001042492.3 (MANE Select); 13 bases into the intron after coding-DNA position 1260, G replaced by C.
Molecular consequence: intron variant.
Genome position (GRCh38, 1-based): chr17:31,201,498, G>C. VCF-style: chr17-31201498-G-C. GRCh37 (hg19) VCF-style: chr17-29528516-G-C.
Other names: c.1260+13G>C (NM_000267.4, NM_001128147.3).
Identifiers: ClinVar variation 2144454 (VCV002144454.5), dbSNP rs1314400102, ClinGen allele CA625467452.

ClinVar aggregate classification (germline): Benign/Likely benign. Review status: criteria provided, multiple submitters, no conflicts (2 of 4 stars). 2 submissions from 2 submitters: Benign (1); Likely benign (1). Last evaluated 2026-05-15.

Conditions:
Neurofibromatosis, type 1 (NF1). Also called: Neurofibromatosis, type I; NEUROFIBROMATOSIS, TYPE I, SOMATIC; VON RECKLINGHAUSEN DISEASE; Peripheral type neurofibromatosis. Identifiers: Orphanet 636, MedGen C0027831, MONDO:0018975, OMIM 162200. Disease mechanism: loss of function.

Allele frequency attached by ClinVar (database versions not stated): TOPMed below 0.00001; gnomAD exomes below 0.00001; gnomAD 0.00001.
gnomAD v4.1: 2 of 1,596,310 alleles (0.00013%); highest among the groups gnomAD compares: Admixed American, 0.0017%; no homozygotes.

Submissions (2):

Myriad Genetics, Inc.
Classification: Benign for Neurofibromatosis, type 1. Last evaluated: 2026-05-15. Review status: criteria provided, single submitter. Criteria: Myriad Autosomal Dominant, Autosomal Recessive and X-Linked Classification Criteria (2023). Collection method: clinical testing. Allele origin: unknown.
Comment: This variant is considered benign. This variant is intronic and is not expected to impact mRNA splicing.

Labcorp Genetics (formerly Invitae), Labcorp
Classification: Likely benign for Neurofibromatosis, type 1. Last evaluated: 2025-01-12. Review status: criteria provided, single submitter. Criteria: Invitae Variant Classification Sherloc (09022015). Collection method: clinical testing. Allele origin: germline.